The following is an entry in ClinVar:

ClinVar aggregate classification (germline): Uncertain significance (1 of 4 stars; one submission).

Conditions:
Hereditary cancer-predisposing syndrome. Also called: Tumor predisposition; Neoplastic Syndromes, Hereditary; Hereditary Cancer Syndrome; Hereditary neoplastic syndrome. Identifiers: Orphanet 140162, MedGen C0027672, MeSH D009386, MONDO:0015356.

Submission:

Ambry Genetics
Classification: Uncertain significance for Hereditary cancer-predisposing syndrome. Last evaluated: 2022-07-27. Review status: criteria provided, single submitter. Criteria: Ambry Variant Classification Scheme 2023. Collection method: clinical testing. Allele origin: germline.
Comment: The p.K106N variant (also known as c.318G>C), located in coding exon 3 of the EPCAM gene, results from a G to C substitution at nucleotide position 318. The lysine at codon 106 is replaced by asparagine, an amino acid with similar properties. This amino acid position is conserved. In addition, this alteration is predicted to be tolerated by in silico analysis. Since supporting evidence is limited at this time, the clinical significance of this alteration remains unclear.

NM_002354.3(EPCAM):c.318G>C (p.Lys106Asn)

Gene: EPCAM (epithelial cell adhesion molecule; plus strand). Cytogenetic location: 2p21.
Variant type: single nucleotide variant.
Coding change: c.318G>C on transcript NM_002354.3 (MANE Select); coding-DNA position 318, G replaced by C.
Protein change: p.Lys106Asn; replaces lysine 106 with asparagine.
Molecular consequence: missense variant.
Genome position (GRCh38, 1-based): chr2:47,373,941, G>C. VCF-style: chr2-47373941-G-C. GRCh37 (hg19) VCF-style: chr2-47601080-G-C.
Other names: short protein forms K106N.
Identifiers: ClinVar variation 1728649 (VCV001728649.2), dbSNP rs1671353329, ClinGen allele CA346723189.